The following is an entry in ClinVar:

NM_002693.3(POLG):c.3412C>T (p.Arg1138Cys)

Gene: POLG (DNA polymerase gamma, catalytic subunit; minus strand). Cytogenetic location: 15q26.1.
Variant type: single nucleotide variant.
Coding change: c.3412C>T on transcript NM_002693.3 (MANE Select); coding-DNA position 3412, C replaced by T.
Protein change: p.Arg1138Cys; replaces arginine 1138 with cysteine.
Molecular consequence: missense variant.
Genome position (GRCh38, 1-based): chr15:89,318,611, G>A on the plus strand (C>T on the coding strand, the complement: POLG is on the minus strand). VCF-style: chr15-89318611-G-A. GRCh37 (hg19) VCF-style: chr15-89861842-G-A.
Other names: c.3412C>T, p.Arg1138Cys (NM_001126131.2); short protein forms R1138C.
Identifiers: ClinVar variation 559173 (VCV000559173.17), dbSNP rs767138032, ClinGen allele CA7724146.

ClinVar aggregate classification (germline): Conflicting classifications of pathogenicity. Review status: criteria provided, conflicting classifications (1 of 4 stars). 6 submissions from 6 submitters: Pathogenic (1); Likely pathogenic (2); Uncertain significance (2). 1 of the submissions does not count toward it. Last evaluated 2025-07-02.

Conditions:
Progressive sclerosing poliodystrophy (MTDPS4A). Also called: Mitochondrial DNA Depletion Syndrome 4A; Alpers Syndrome; ALPERS DIFFUSE DEGENERATION OF CEREBRAL GRAY MATTER WITH HEPATIC CIRRHOSIS; ALPERS PROGRESSIVE INFANTILE POLIODYSTROPHY; Alpers-Huttenlocher Syndrome; Mitochondrial DNA depletion syndrome 4A (Alpers type). Identifiers: Orphanet 726, MedGen C0205710, MONDO:0008758, OMIM 203700.
POLG-related disorder. Also called: POLG-Related Spectrum Disorders; POLG-related condition; POLG-Related Disorders. Identifiers: MedGen C4763519.

Allele frequency attached by ClinVar (database versions not stated): gnomAD exomes below 0.00001; TOPMed below 0.00001; ExAC 0.00001.
gnomAD v4.1: 7 of 1,614,172 alleles (0.00043%); highest among the groups gnomAD compares: Middle Eastern, 0.017%; no homozygotes.

Submissions (6):

Women's Health and Genetics/Laboratory Corporation of America, LabCorp
Classification: Uncertain significance. Last evaluated: 2025-07-02. Review status: criteria provided, single submitter. Criteria: LabCorp Variant Classification Summary - May 2015. Collection method: clinical testing. Allele origin: germline.
Comment: Variant summary: POLG c.3412C>T (p.Arg1138Cys) results in a non-conservative amino acid change located in the DNA-directed DNA polymerase, family A, palm domain (IPR001098), cluster 1 of the encoded protein sequence. Cluster 1 variants are predicted to cause a primary defect in pol activity and affect residues involved directly in catalysis or indirectly by affecting architectural residues that may disrupt the position of catalytic residues (example: Farnum_2014). Algorithms developed to predict the effect of missense changes on protein structure and function all suggest that this variant is likely to be disruptive. The variant allele was found at a frequency of 4e-06 in 251432 control chromosomes. The available data on variant occurrences in the general population are insufficient to allow any conclusion about variant significance. c.3412C>T has been observed in at least one compound heterozygous individual affected with POLG-Related Spectrum Disorder, diagnosed as autosomal recessive progressive external opthalmoplegia (PEO) who has been widely cited by others (example: Wong_2008, Milone_2008, Pauls_2020, Beecher_2024 cited by others example: Li_2021). These data do not allow any conclusion about variant significance. To our knowledge, no experimental evidence demonstrating an impact on protein function has been reported. The following publications have been ascertained in the context of this evaluation (PMID: 38434220, 27538604, 24508722, 33791913, 30936349, 20220442, 18585914, 32502631, 30451971, 20513108, 18546365). ClinVar contains an entry for this variant (Variation ID: 559173). Based on the evidence outlined above, the variant was classified as uncertain significance.

Labcorp Genetics (formerly Invitae), Labcorp
Classification: Pathogenic for Progressive sclerosing poliodystrophy. Last evaluated: 2025-06-03. Review status: criteria provided, single submitter. Criteria: Invitae Variant Classification Sherloc (09022015). Collection method: clinical testing. Allele origin: germline.
Comment: This sequence change replaces arginine, which is basic and polar, with cysteine, which is neutral and slightly polar, at codon 1138 of the POLG protein (p.Arg1138Cys). This variant is present in population databases (rs767138032, gnomAD 0.003%). This missense change has been observed in individual(s) with autosomal recessive SANDO syndrome (PMID: 18585914, 27538604). In at least one individual the data is consistent with being in trans (on the opposite chromosome) from a pathogenic variant. ClinVar contains an entry for this variant (Variation ID: 559173). Invitae Evidence Modeling of protein sequence and biophysical properties (such as structural, functional, and spatial information, amino acid conservation, physicochemical variation, residue mobility, and thermodynamic stability) indicates that this missense variant is expected to disrupt POLG protein function with a positive predictive value of 95%. For these reasons, this variant has been classified as Pathogenic.

GeneDx
Classification: Uncertain significance. Last evaluated: 2023-03-15. Review status: criteria provided, single submitter. Criteria: GeneDx Variant Classification Process June 2021. Collection method: clinical testing. Allele origin: germline. Affected: yes.
Comment: In silico analysis supports that this missense variant has a deleterious effect on protein structure/function; Not observed at significant frequency in large population cohorts (gnomAD); This variant is associated with the following publications: (PMID: 33791913, 18546365, 30936349, 30451971, 20513108, 27538604, 32347949, 24508722, 20220442, 18585914)

Blueprint Genetics
Classification: Likely pathogenic for POLG-related disorders. Last evaluated: 2021-08-28. Review status: criteria provided, single submitter. Criteria: ACMG Guidelines, 2015. Collection method: clinical testing. Allele origin: germline. Affected: yes. Observed: 3 variant alleles.

Wong Mito Lab, Molecular and Human Genetics, Baylor College of Medicine
Classification: Likely pathogenic for Progressive sclerosing poliodystrophy. Last evaluated: 2018-10-01. Review status: criteria provided, single submitter. Criteria: ACMG Guidelines, 2015. Collection method: clinical testing. Allele origin: germline.
Comment: The NM_002693.2:c.3412C>T (NP_002684.1:p.Arg1138Cys) [GRCH38: NC_000015.10:g.89318611G>A] variant in POLG gene is interpretated to be a Likely Pathogenic based on ACMG guidelines (PMID: 25741868). This variant meets the following evidence codes reported in the ACMG-guideline. PM2:This variant is absent in key population databases. PM3:Detected in trans with a pathogenic variant for Mitochondrial DNA depletion syndrome 4A (Alpers type) which is a recessive disorder. PP2:This is a missense variant in POLG with a low rate of benign and high rate of pathogenic missense variations. PP4:Patient's phenotype or family history is highly specific for POLG. Based on the evidence criteria codes applied, the variant is suggested to be Likely Pathogenic.

Mayo Clinic Laboratories, Mayo Clinic
Classification: Uncertain significance. Last evaluated: 2016-02-29. Review status: no assertion criteria provided. Collection method: clinical testing. Allele origin: unknown. Not counted in ClinVar's aggregate classification.

Literature cited by the submitters: PubMed 24508722 (cited by Women's Health and Genetics/Laboratory Corporation of America, LabCorp); PubMed 18546365 (cited by Women's Health and Genetics/Laboratory Corporation of America, LabCorp); PubMed 18585914 (cited by Women's Health and Genetics/Laboratory Corporation of America, LabCorp and Labcorp Genetics (formerly Invitae), Labcorp); PubMed 30936349 (cited by Women's Health and Genetics/Laboratory Corporation of America, LabCorp); PubMed 27538604 (cited by Women's Health and Genetics/Laboratory Corporation of America, LabCorp and Labcorp Genetics (formerly Invitae), Labcorp); PubMed 33791913 (cited by Women's Health and Genetics/Laboratory Corporation of America, LabCorp); PubMed 20220442 (cited by Women's Health and Genetics/Laboratory Corporation of America, LabCorp); PubMed 30451971 (cited by Women's Health and Genetics/Laboratory Corporation of America, LabCorp); PubMed 20513108 (cited by Women's Health and Genetics/Laboratory Corporation of America, LabCorp); PubMed 32502631 (cited by Women's Health and Genetics/Laboratory Corporation of America, LabCorp); PubMed 38434220 (cited by Women's Health and Genetics/Laboratory Corporation of America, LabCorp).